The following is an entry in ClinVar:

ClinVar aggregate classification (germline): Uncertain significance (1 of 4 stars; one submission).

Conditions:
Polyglucosan body myopathy type 1 (PGBM1). Also called: Polyglucosan body myopathy 1 with or without immunodeficiency; POLYGLUCOSAN BODY MYOPATHY WITHOUT IMMUNODEFICIENCY. Identifiers: Orphanet 329173, Orphanet 397937, MedGen C4014605, MONDO:0014389, OMIM 615895.

Submission:

Labcorp Genetics (formerly Invitae), Labcorp
Classification: Uncertain significance for Polyglucosan body myopathy type 1. Last evaluated: 2022-10-25. Review status: criteria provided, single submitter. Criteria: Invitae Variant Classification Sherloc (09022015). Collection method: clinical testing. Allele origin: germline.
Comment: This sequence change falls in intron 3 of the RBCK1 gene. It does not directly change the encoded amino acid sequence of the RBCK1 protein. It affects a nucleotide within the consensus splice site. The frequency data for this variant in the population databases is considered unreliable, as metrics indicate poor data quality at this position in the gnomAD database. This variant has not been reported in the literature in individuals affected with RBCK1-related conditions. ClinVar contains an entry for this variant (Variation ID: 541949). Variants that disrupt the consensus splice site are a relatively common cause of aberrant splicing (PMID: 17576681, 9536098). Algorithms developed to predict the effect of sequence changes on RNA splicing suggest that this variant is not likely to affect RNA splicing. In summary, the available evidence is currently insufficient to determine the role of this variant in disease. Therefore, it has been classified as a Variant of Uncertain Significance.

Literature cited by the submitters: PubMed 17576681; PubMed 9536098.

NM_031229.4(RBCK1):c.261+6_261+9del

Gene: RBCK1 (RANBP2-type and C3HC4-type zinc finger containing 1; plus strand). Cytogenetic location: 20p13.
Variant type: Microsatellite.
Coding change: c.261+6_261+9del on transcript NM_031229.4 (MANE Select); bases 6 to 9 of the intron after coding-DNA position 261, 4 bases deleted (TGAG; older notation c.261+6_261+9delTGAG).
Molecular consequence: splice donor variant.
Genome position (GRCh38, 1-based): chr20:417,625-417,628, TGAG deleted; deleting any 4 consecutive bases within chr20:417,620-417,628 gives the same sequence; the c. name uses the placement nearest the transcript's 3' end. VCF-style (leftmost placement, unchanged base first): chr20-417619-GGTGA-G. GRCh37 (hg19) VCF-style: chr20-398263-GGTGA-G.
Other names: c.261+6_261+9delTGAG (NM_031229.3); c.-89+6_-89+9del (NM_001323956.2, NM_001323958.2); c.135+6_135+9del (NM_006462.6).
Identifiers: ClinVar variation 541949 (VCV000541949.6), dbSNP rs754865819, ClinGen allele CA9723014.